The following is an entry in ClinVar:

NM_058179.4(PSAT1):c.511G>C (p.Ala171Pro)

Gene: PSAT1 (phosphoserine aminotransferase 1; plus strand). Cytogenetic location: 9q21.2.
Variant type: single nucleotide variant.
Coding change: c.511G>C on transcript NM_058179.4 (MANE Select); coding-DNA position 511, G replaced by C.
Protein change: p.Ala171Pro; replaces alanine 171 with proline.
Molecular consequence: missense variant.
Genome position (GRCh38, 1-based): chr9:78,306,427, G>C. VCF-style: chr9-78306427-G-C. GRCh37 (hg19) VCF-style: chr9-80921343-G-C.
Other names: c.511G>C, p.Ala171Pro (NM_021154.5); short protein forms A171P.
Identifiers: ClinVar variation 976947 (VCV000976947.6), dbSNP rs115263053, ClinGen allele CA5095644.

ClinVar aggregate classification (germline): Uncertain significance. Review status: criteria provided, single submitter (1 of 4 stars). 2 submissions from 2 submitters: Uncertain significance (1). 1 of the submissions does not count toward it. Last evaluated 2022-10-31.

Conditions:
Neu-Laxova syndrome 2. Identifiers: Orphanet 2671, Orphanet 583602, MedGen C4015019, MONDO:0014466, OMIM 616038.

Allele frequency attached by ClinVar (database versions not stated): ExAC 0.00004; gnomAD exomes 0.00007; TOPMed 0.00007; ESP Exome Variant Server 0.00008; gnomAD 0.00009; 1000 Genomes Project 30x 0.00016; 1000 Genomes Project 0.00020.
gnomAD v4.1: 122 of 1,614,180 alleles (0.0076%); highest among the groups gnomAD compares: Non-Finnish European, 0.0075%; no homozygotes.

Submissions (2):

Labcorp Genetics (formerly Invitae), Labcorp
Classification: Uncertain significance for Neu-Laxova syndrome 2. Last evaluated: 2022-10-31. Review status: criteria provided, single submitter. Criteria: Invitae Variant Classification Sherloc (09022015). Collection method: clinical testing. Allele origin: germline.
Comment: This sequence change replaces alanine, which is neutral and non-polar, with proline, which is neutral and non-polar, at codon 171 of the PSAT1 protein (p.Ala171Pro). This variant is present in population databases (rs115263053, gnomAD 0.05%). This variant has not been reported in the literature in individuals affected with PSAT1-related conditions. ClinVar contains an entry for this variant (Variation ID: 976947). Advanced modeling of protein sequence and biophysical properties (such as structural, functional, and spatial information, amino acid conservation, physicochemical variation, residue mobility, and thermodynamic stability) performed at Invitae indicates that this missense variant is not expected to disrupt PSAT1 protein function. Experimental studies have shown that this missense change does not substantially affect PSAT1 function (PMID: 32077105). In summary, the available evidence is currently insufficient to determine the role of this variant in disease. Therefore, it has been classified as a Variant of Uncertain Significance.

Dudley Research Group, Pacific Northwest Research Institute
No classification provided. Review status: no classification provided. Collection method: research, in vivo. Allele origin: unknown, not applicable. Functional consequence: functionally_normal. Not counted in ClinVar's aggregate classification.

Literature cited by the submitters: PubMed 32077105 (cited by Labcorp Genetics (formerly Invitae), Labcorp).